The following is an entry in ClinVar:

ClinVar aggregate classification (germline): Likely benign (1 of 4 stars; one submission).

Allele frequency attached by ClinVar (database versions not stated): 1000 Genomes Project 30x 0.00078; 1000 Genomes Project 0.00100; ExAC 0.00110; gnomAD 0.00310; TOPMed 0.00380.
gnomAD v4.1: 1,681 of 1,608,760 alleles (0.1%); highest among the groups gnomAD compares: African/African-American, 0.59%; 8 homozygotes.

Submission:

CeGaT Center for Human Genetics Tuebingen
Classification: Likely benign. Last evaluated: 2022-11-01. Review status: criteria provided, single submitter. Criteria: CeGaT Center For Human Genetics Tuebingen Variant Classification Criteria Version 2. Collection method: clinical testing. Allele origin: germline. Affected: yes. Observed: 1 variant allele.
Comment: ANKRD36C: BP4, BP7, BS2

NM_001393982.1(ANKRD36C):c.2226T>C (p.Asp742=)

Gene: ANKRD36C (ankyrin repeat domain 36C; minus strand). Cytogenetic location: 2q11.1.
Variant type: single nucleotide variant.
Coding change: c.2226T>C on transcript NM_001393982.1 (MANE Select); coding-DNA position 2226, T replaced by C.
Protein change: p.Asp742=; no amino-acid change (aspartic acid 742 retained).
Molecular consequence: synonymous variant.
Genome position (GRCh38, 1-based): chr2:95,921,626, A>G on the plus strand (T>C on the coding strand, the complement: ANKRD36C is on the minus strand). VCF-style: chr2-95921626-A-G. GRCh37 (hg19) VCF-style: chr2-96587374-A-G.
Other names: c.2301T>C, p.Asp767= (NM_001310154.3).
Identifiers: ClinVar variation 2651133 (VCV002651133.24), dbSNP rs200558089, ClinGen allele CA1774381.
Genomic context (GRCh38, chr2:95,921,626, plus strand): 5'-TCTGGATTGAACATGACATTAAATGTCTTTTGCAAAATTACCTGTCCCAGATTTTTCTCC[A>G]TCCTTTATTTCTGTGGCTATATTCGAAACAGAATCTTCCTCGTCAGTTGTAGCCTGAATG-3'
Protein context (NP_001380911.1, residues 732-752): SVSNIATEIK[Asp742=]GEKSGTVSSQ